The following is an entry in ClinVar:

ClinVar aggregate classification (germline): Uncertain significance. Review status: criteria provided, multiple submitters, no conflicts (2 of 4 stars). 10 submissions from 6 submitters: Uncertain significance (9). 1 of the submissions does not count toward it. Last evaluated 2025-06-18.

Conditions:
Meckel syndrome, type 4 (MKS4). Also called: MECKEL-GRUBER SYNDROME, TYPE 4. Identifiers: Orphanet 564, MedGen C1970161, MONDO:0012626, OMIM 611134.
CEP290-related disorder. Also called: CEP290-related condition; CEP290-related disorders. Identifiers: MedGen CN239314.
Bardet-Biedl syndrome 14 (BBS14). Identifiers: Orphanet 110, MedGen C2673874, MONDO:0014442, OMIM 615991.
Leber congenital amaurosis 10 (LCA10). Identifiers: Orphanet 65, MedGen C1857821, MONDO:0012723, OMIM 611755.
Senior-Loken syndrome 6 (SLSN6). Identifiers: Orphanet 3156, MedGen C1857779, MONDO:0012433, OMIM 610189.
Joubert syndrome 5 (JBTS5). Identifiers: Orphanet 2318, MedGen C1857780, MONDO:0012432, OMIM 610188.
Inborn genetic diseases. Identifiers: MedGen C0950123, MeSH D030342.
Retinal dystrophy. Also called: Inherited retinal dystrophy. Identifiers: Orphanet 71862, MedGen C0854723, MeSH D058499, MONDO:0019118, HP:0000556.

Allele frequency attached by ClinVar (database versions not stated): gnomAD 0.00001; ExAC 0.00002; gnomAD exomes 0.00003 and 0.00007.
gnomAD v4.1: 98 of 1,557,948 alleles (0.0063%); highest among the groups gnomAD compares: East Asian, 0.21%; no homozygotes.

Submissions (10):

Ambry Genetics
Classification: Uncertain significance for Inborn genetic diseases. Last evaluated: 2025-06-18. Review status: criteria provided, single submitter. Criteria: Ambry Variant Classification Scheme 2023. Collection method: clinical testing. Allele origin: germline.

Fulgent Genetics
Classification: Uncertain significance for Joubert syndrome 5; Senior-Loken syndrome 6; Meckel syndrome, type 4; Leber congenital amaurosis 10; Bardet-Biedl syndrome 14. Last evaluated: 2024-04-05. Review status: criteria provided, single submitter. Criteria: ACMG Guidelines, 2015. Collection method: clinical testing. Allele origin: germline.

Dept Of Ophthalmology, Nagoya University
Classification: Uncertain significance for Retinal dystrophy. Last evaluated: 2023-10-01. Review status: criteria provided, single submitter. Criteria: Submitter's publication. Collection method: research. Allele origin: germline. Affected: yes.

Blueprint Genetics
Classification: Uncertain significance. Last evaluated: 2020-08-18. Review status: criteria provided, single submitter. Criteria: ACMG Guidelines, 2015. Collection method: clinical testing. Allele origin: germline.

Illumina Laboratory Services, Illumina
Classification: Uncertain significance for Leber congenital amaurosis 10. Last evaluated: 2018-01-13. Review status: criteria provided, single submitter. Criteria: ICSL Variant Classification Criteria 13 December 2019. Collection method: clinical testing. Allele origin: germline.

Illumina Laboratory Services, Illumina
Classification: Uncertain significance for Senior-Loken syndrome 6. Last evaluated: 2018-01-13. Review status: criteria provided, single submitter. Criteria: ICSL Variant Classification Criteria 13 December 2019. Collection method: clinical testing. Allele origin: germline.

Illumina Laboratory Services, Illumina
Classification: Uncertain significance for Bardet-Biedl syndrome 14. Last evaluated: 2018-01-13. Review status: criteria provided, single submitter. Criteria: ICSL Variant Classification Criteria 13 December 2019. Collection method: clinical testing. Allele origin: germline.

Illumina Laboratory Services, Illumina
Classification: Uncertain significance for Meckel syndrome, type 4. Last evaluated: 2018-01-13. Review status: criteria provided, single submitter. Criteria: ICSL Variant Classification Criteria 13 December 2019. Collection method: clinical testing. Allele origin: germline.

Illumina Laboratory Services, Illumina
Classification: Uncertain significance for Joubert syndrome 5. Last evaluated: 2018-01-13. Review status: criteria provided, single submitter. Criteria: ICSL Variant Classification Criteria 13 December 2019. Collection method: clinical testing. Allele origin: germline.

PreventionGenetics, part of Exact Sciences
Classification: Uncertain significance for CEP290-related condition. Last evaluated: 2024-08-15. Review status: no assertion criteria provided. Collection method: clinical testing. Allele origin: germline. Not counted in ClinVar's aggregate classification.
Comment: The CEP290 c.2267_2268delinsTG variant is predicted to result in an in-frame deletion and insertion. To our knowledge, this variant has not been reported in the literature or in a large population database, indicating this variant is rare. At this time, the clinical significance of this variant is uncertain due to the absence of conclusive functional and genetic evidence.

NM_025114.4(CEP290):c.2267C>T (p.Ser756Leu)

Gene: CEP290 (centrosomal protein 290; minus strand). Cytogenetic location: 12q21.32.
Variant type: single nucleotide variant.
Coding change: c.2267C>T on transcript NM_025114.4 (MANE Select); coding-DNA position 2267, C replaced by T.
Protein change: p.Ser756Leu; replaces serine 756 with leucine.
Molecular consequence: missense variant.
Genome position (GRCh38, 1-based): chr12:88,111,302, G>A on the plus strand (C>T on the coding strand, the complement: CEP290 is on the minus strand). VCF-style: chr12-88111302-G-A. GRCh37 (hg19) VCF-style: chr12-88505079-G-A.
Other names: c.2267_2268delinsTG (NM_025114.3); short protein forms S756L.
Identifiers: ClinVar variation 884187 (VCV000884187.9), dbSNP rs761111801, ClinGen allele CA6712360.